The following is an entry in ClinVar:

ClinVar aggregate classification (germline): Uncertain significance. Review status: criteria provided, multiple submitters, no conflicts (2 of 4 stars). 2 submissions from 2 submitters: Uncertain significance (2). Last evaluated 2025-04-28.

Conditions:
Inborn genetic diseases. Identifiers: MedGen C0950123, MeSH D030342.

Allele frequency attached by ClinVar (database versions not stated): gnomAD exomes below 0.00001; gnomAD 0.00001; TOPMed 0.00001.

Submissions (2):

Ambry Genetics
Classification: Uncertain significance for Inborn genetic diseases. Last evaluated: 2025-04-28. Review status: criteria provided, single submitter. Criteria: Ambry Variant Classification Scheme 2023. Collection method: clinical testing. Allele origin: germline.
Comment: The p.Q920H variant (also known as c.2760A>C), located in coding exon 1 of the SAMD9L gene, results from an A to C substitution at nucleotide position 2760. The glutamine at codon 920 is replaced by histidine, an amino acid with highly similar properties. This amino acid position is conserved. In addition, this alteration is predicted to be tolerated by in silico analysis. Based on the available evidence, the clinical significance of this variant remains unclear.

Labcorp Genetics (formerly Invitae), Labcorp
Classification: Uncertain significance. Last evaluated: 2023-12-15. Review status: criteria provided, single submitter. Criteria: Invitae Variant Classification Sherloc (09022015). Collection method: clinical testing. Allele origin: germline.
Comment: This sequence change replaces glutamine, which is neutral and polar, with histidine, which is basic and polar, at codon 920 of the SAMD9L protein (p.Gln920His). This variant is not present in population databases (gnomAD no frequency). This variant has not been reported in the literature in individuals affected with SAMD9L-related conditions. Advanced modeling of protein sequence and biophysical properties (such as structural, functional, and spatial information, amino acid conservation, physicochemical variation, residue mobility, and thermodynamic stability) performed at Invitae indicates that this missense variant is not expected to disrupt SAMD9L protein function with a negative predictive value of 80%. In summary, the available evidence is currently insufficient to determine the role of this variant in disease. Therefore, it has been classified as a Variant of Uncertain Significance.

NM_152703.5(SAMD9L):c.2760A>C (p.Gln920His)

Gene: SAMD9L (sterile alpha motif domain containing 9 like; minus strand). Cytogenetic location: 7q21.2.
Variant type: single nucleotide variant.
Coding change: c.2760A>C on transcript NM_152703.5 (MANE Select); coding-DNA position 2760, A replaced by C.
Protein change: p.Gln920His; replaces glutamine 920 with histidine.
Molecular consequence: missense variant.
Genome position (GRCh38, 1-based): chr7:93,133,212, T>G on the plus strand (A>C on the coding strand, the complement: SAMD9L is on the minus strand). VCF-style: chr7-93133212-T-G. GRCh37 (hg19) VCF-style: chr7-92762525-T-G.
Other names: c.2760A>C, p.Gln920His (NM_001303496.3, NM_001303497.3, NM_001303498.3 and 5 more transcripts); c.2760A>C (NM_152703.2); short protein forms Q920H.
Identifiers: ClinVar variation 2983297 (VCV002983297.4), dbSNP rs1003948665, ClinGen allele CA368186458.